The following is an entry in ClinVar:

ClinVar aggregate classification (germline): Benign/Likely benign. Review status: criteria provided, multiple submitters, no conflicts (2 of 4 stars). 8 submissions from 8 submitters: Benign (5); Likely benign (3). Last evaluated 2026-06-01.

Conditions:
Fanconi anemia (FA). Also called: Fanconi's anemia. Identifiers: Orphanet 84, MedGen C0015625, MeSH D005199, MONDO:0019391.
Fanconi anemia complementation group L (FANCL). Also called: FANCL-Related Fanconi Anemia. Identifiers: Orphanet 84, MedGen C3469528, MONDO:0013566, OMIM 614083.

Allele frequency attached by ClinVar (database versions not stated): gnomAD 0.01354 and 0.01385; ESP Exome Variant Server 0.01785; gnomAD exomes 0.01873 and 0.01345; ExAC 0.01352; 1000 Genomes Project 30x 0.00812; 1000 Genomes Project 0.00839; TOPMed 0.01325.
gnomAD v4.1: 29,282 of 1,612,658 alleles (1.8%); highest among the groups gnomAD compares: Middle Eastern, 2.7%; 329 homozygotes.

Submissions (8):

CeGaT Center for Human Genetics Tuebingen
Classification: Benign. Last evaluated: 2026-06-01. Review status: criteria provided, single submitter. Criteria: CeGaT Center For Human Genetics Tuebingen Variant Classification Criteria Version 2. Collection method: clinical testing. Allele origin: germline. Affected: yes. Observed: 1 variant allele.
Comment: FANCL: BP4, BP7, BS1, BS2

Labcorp Genetics (formerly Invitae), Labcorp
Classification: Benign for Fanconi anemia. Last evaluated: 2026-02-02. Review status: criteria provided, single submitter. Criteria: Invitae Variant Classification Sherloc (09022015). Collection method: clinical testing. Allele origin: germline.

Mayo Clinic Laboratories, Mayo Clinic
Classification: Benign. Last evaluated: 2025-09-29. Review status: criteria provided, single submitter. Criteria: ACMG Guidelines, 2015. Collection method: clinical testing. Allele origin: germline. Observed: 3 variant alleles.
Comment: BS1, BS2, BP4, BP7

ARUP Laboratories, Molecular Genetics and Genomics, ARUP Laboratories
Classification: Benign for Fanconi anemia complementation group L. Last evaluated: 2025-03-06. Review status: criteria provided, single submitter. Criteria: ARUP Molecular Germline Variant Investigation Process 2024. Collection method: clinical testing. Allele origin: germline.

Blueprint Genetics
Classification: Likely benign. Last evaluated: 2024-11-26. Review status: criteria provided, single submitter. Criteria: ACMG Guidelines, 2015. Collection method: clinical testing. Allele origin: germline.

GeneDx
Classification: Likely benign. Last evaluated: 2020-09-23. Review status: criteria provided, single submitter. Criteria: GeneDx Variant Classification Process June 2021. Collection method: clinical testing. Allele origin: germline. Affected: yes.

Illumina Laboratory Services, Illumina
Classification: Benign for Fanconi anemia complementation group L. Last evaluated: 2017-04-27. Review status: criteria provided, single submitter. Criteria: ICSL Variant Classification Criteria 13 December 2019. Collection method: clinical testing. Allele origin: germline.
Comment: This variant was observed as part of a predisposition screen in an ostensibly healthy population. A literature search was performed for the gene, cDNA change, and amino acid change (where applicable). No publications were found based on this search. Allele frequency data from public databases was too high to be consistent with this variant causing disease. Therefore, this variant is classified as benign.

Breakthrough Genomics
Classification: Likely benign. Review status: criteria provided, single submitter. Criteria: ACMG Guidelines, 2015. Collection method: not provided. Allele origin: germline. Inheritance: Autosomal recessive inheritance. Affected: yes.

NM_018062.4(FANCL):c.1077T>C (p.Cys359=)

Gene: FANCL (FA complementation group L; minus strand). Cytogenetic location: 2p16.1.
Variant type: single nucleotide variant.
Coding change: c.1077T>C on transcript NM_018062.4 (MANE Select); coding-DNA position 1077, T replaced by C.
Protein change: p.Cys359=; no amino-acid change (cysteine 359 retained).
Molecular consequence: synonymous variant.
Genome position (GRCh38, 1-based): chr2:58,160,123, A>G on the plus strand (T>C on the coding strand, the complement: FANCL is on the minus strand). VCF-style: chr2-58160123-A-G. GRCh37 (hg19) VCF-style: chr2-58387258-A-G.
Other names: p.Cys359=; c.1092T>C, p.Cys364= (NM_001114636.2); c.1122T>C, p.Cys374= (NM_001374615.1); c.1137T>C, p.Cys379= (NM_001410792.1).
Identifiers: ClinVar variation 221091 (VCV000221091.25), dbSNP rs11539575, ClinGen allele CA349705.